The following is an entry in ClinVar:

ClinVar aggregate classification (germline): Benign/Likely benign. Review status: criteria provided, multiple submitters, no conflicts (2 of 4 stars). 6 submissions from 6 submitters: Benign (1); Likely benign (5). Last evaluated 2026-01-26.

Conditions:
Tuberous sclerosis syndrome (TSC). Also called: Tuberous Sclerosis Complex; Tuberous sclerosis. Identifiers: Orphanet 805, MedGen C0041341, MONDO:0001734.
Hereditary cancer-predisposing syndrome. Also called: Tumor predisposition; Neoplastic Syndromes, Hereditary; Hereditary Cancer Syndrome; Hereditary neoplastic syndrome. Identifiers: Orphanet 140162, MedGen C0027672, MeSH D009386, MONDO:0015356.
Tuberous sclerosis 1 (TSC1). Identifiers: Orphanet 805, MedGen C1854465, MONDO:0008612, OMIM 191100.

Allele frequency attached by ClinVar (database versions not stated): TOPMed 0.00001.
gnomAD v4.1: 3 of 1,614,028 alleles (0.00019%); highest among the groups gnomAD compares: Non-Finnish European, 0.00017%; no homozygotes.

Submissions (6):

Labcorp Genetics (formerly Invitae), Labcorp
Classification: Likely benign for Tuberous sclerosis 1. Last evaluated: 2026-01-26. Review status: criteria provided, single submitter. Criteria: Invitae Variant Classification Sherloc (09022015). Collection method: clinical testing. Allele origin: germline.

Myriad Genetics, Inc.
Classification: Benign for Tuberous sclerosis 1. Last evaluated: 2025-04-09. Review status: criteria provided, single submitter. Criteria: Myriad Autosomal Dominant, Autosomal Recessive and X-Linked Classification Criteria (2023). Collection method: clinical testing. Allele origin: unknown.
Comment: This variant is considered benign. This variant is a silent/synonymous amino acid change and it is not expected to impact splicing.

All of Us Research Program, National Institutes of Health
Classification: Likely benign for Tuberous sclerosis syndrome. Last evaluated: 2023-02-15. Review status: criteria provided, single submitter. Criteria: ACMG Guidelines, 2015. Collection method: clinical testing. Allele origin: germline. Inheritance: Autosomal dominant inheritance. Observed: 1 variant allele, 1 heterozygote.
Comment: This study involves interpretation of variants in research participants for the purpose of population health screening. Participant phenotype was not available at the time of variant classification. Additional details can be found in publication PMID: 35346344, PMCID: PMC8962531

Color Diagnostics, LLC DBA Color Health
Classification: Likely benign for Tuberous sclerosis syndrome. Last evaluated: 2022-09-30. Review status: criteria provided, single submitter. Criteria: ACMG Guidelines, 2015. Collection method: clinical testing. Allele origin: germline.

Genome-Nilou Lab
Classification: Likely benign for Tuberous sclerosis 1. Last evaluated: 2021-11-07. Review status: criteria provided, single submitter. Criteria: ACMG Guidelines, 2015. Collection method: clinical testing. Allele origin: germline. Affected: no.

Ambry Genetics
Classification: Likely benign for Hereditary cancer-predisposing syndrome. Last evaluated: 2018-12-05. Review status: criteria provided, single submitter. Criteria: Ambry Variant Classification Scheme 2023. Collection method: clinical testing. Allele origin: germline.

NM_000368.5(TSC1):c.1257C>A (p.Pro419=)

Gene: TSC1 (TSC complex subunit 1; minus strand). Cytogenetic location: 9q34.13.
Variant type: single nucleotide variant.
Coding change: c.1257C>A on transcript NM_000368.5 (MANE Select); coding-DNA position 1257, C replaced by A.
Protein change: p.Pro419=; no amino-acid change (proline 419 retained).
Molecular consequence: synonymous variant.
Genome position (GRCh38, 1-based): chr9:132,910,577, G>T on the plus strand (C>A on the coding strand, the complement: TSC1 is on the minus strand). VCF-style: chr9-132910577-G-T. GRCh37 (hg19) VCF-style: chr9-135785964-G-T.
Other names: c.1254C>A, p.Pro418= (NM_001162426.2); c.1104C>A, p.Pro368= (NM_001162427.2); c.894C>A, p.Pro298= (NM_001362177.2).
Identifiers: ClinVar variation 416679 (VCV000416679.21), dbSNP rs369642207, ClinGen allele CA027484.